The following is an entry in ClinVar:

NM_003086.4(SNAPC4):c.2609G>A (p.Arg870Gln)

Gene: SNAPC4 (small nuclear RNA activating complex polypeptide 4; minus strand). Cytogenetic location: 9q34.3.
Variant type: single nucleotide variant.
Coding change: c.2609G>A on transcript NM_003086.4 (MANE Select); coding-DNA position 2609, G replaced by A.
Protein change: p.Arg870Gln; replaces arginine 870 with glutamine.
Molecular consequence: missense variant.
Genome position (GRCh38, 1-based): chr9:136,379,218, C>T on the plus strand (G>A on the coding strand, the complement: SNAPC4 is on the minus strand). VCF-style: chr9-136379218-C-T. GRCh37 (hg19) VCF-style: chr9-139273670-C-T.
Other names: c.2609G>A, p.Arg870Gln (NM_001394201.1); c.2525G>A, p.Arg842Gln (NM_001394202.1, NM_001394203.1); short protein forms R842Q, R870Q.
Identifiers: ClinVar variation 4631775 (VCV004631775.3).
Genomic context (GRCh38, chr9:136,379,218, plus strand): 5'-GGCTTGGGCCGGGGGCCGGTTGAAGCCAGCAGGGACGCCTGGGGTAGGGTGCGCTCCACC[C>T]GGCTGGACGCCAGTCTTCGGCTCCCTTTGTGGCTGGCACTCTTTGAGGCTTCTTGAGCCG-3'
Protein context (NP_003077.2, residues 860-880): HKGSRRLASS[Arg870Gln]VERTLPQASL

ClinVar aggregate classification (germline): Conflicting classifications of pathogenicity. Review status: criteria provided, conflicting classifications (1 of 4 stars). 2 submissions from 2 submitters: Uncertain significance (1); Likely benign (1). Last evaluated 2025-11-26.

Conditions:
Inborn genetic diseases. Identifiers: MedGen C0950123, MeSH D030342.

gnomAD v4.1: 26 of 1,611,682 alleles (0.0016%); highest among the groups gnomAD compares: African/African-American, 0.011%; no homozygotes.

Submissions (2):

Ambry Genetics
Classification: Likely benign for Inborn genetic diseases. Last evaluated: 2025-11-26. Review status: criteria provided, single submitter. Criteria: Ambry Variant Classification Scheme 2023. Collection method: clinical testing. Allele origin: germline.

Dasa
Classification: Uncertain significance. Last evaluated: 2024-08-02. Review status: criteria provided, single submitter. Criteria: DASA Assertion Criteria. Collection method: clinical testing. Allele origin: germline.
Comment: NM_003086.4(SNAPC4):c.2609G>A (p.Arg870Gln) is a missense variant that results in the substitution of arginine with glutamine. This variant is rare in population databases. Computational prediction algorithms are consistent with a benign effect. The currently available literature and clinical evidence are not sufficient to establish a definitive association between this variant and the reported condition. Therefore, this variant is classified as a variant of uncertain significance.